The following is an entry in ClinVar:

NM_000755.5(CRAT):c.1867C>T (p.Arg623Trp)

Gene: CRAT (carnitine O-acetyltransferase; minus strand). Cytogenetic location: 9q34.11.
Variant type: single nucleotide variant.
Coding change: c.1867C>T on transcript NM_000755.5 (MANE Select); coding-DNA position 1867, C replaced by T.
Protein change: p.Arg623Trp; replaces arginine 623 with tryptophan.
Molecular consequence: missense variant.
Genome position (GRCh38, 1-based): chr9:129,095,411, G>A on the plus strand (C>T on the coding strand, the complement: CRAT is on the minus strand). VCF-style: chr9-129095411-G-A. GRCh37 (hg19) VCF-style: chr9-131857690-G-A.
Other names: c.1804C>T, p.Arg602Trp (NM_001257363.3, NM_004003.4); c.1870C>T, p.Arg624Trp (NM_001346546.2); c.1795C>T, p.Arg599Trp (NM_001346547.2); c.1732C>T, p.Arg578Trp (NM_001346548.2); c.1747C>T, p.Arg583Trp (NM_001346549.2); short protein forms R599W, R624W, R578W, R602W, R583W, R623W.
Identifiers: ClinVar variation 1914667 (VCV001914667.5), dbSNP rs551012337, ClinGen allele CA5275225.

ClinVar aggregate classification (germline): Uncertain significance (1 of 4 stars; one submission).

Allele frequency attached by ClinVar (database versions not stated): ExAC 0.00002; 1000 Genomes Project 30x 0.00016; 1000 Genomes Project 0.00020.
gnomAD v4.1: 7 of 1,611,184 alleles (0.00043%); highest among the groups gnomAD compares: East Asian, 0.0022%; no homozygotes.

Submission:

Labcorp Genetics (formerly Invitae), Labcorp
Classification: Uncertain significance. Last evaluated: 2022-05-18. Review status: criteria provided, single submitter. Criteria: Invitae Variant Classification Sherloc (09022015). Collection method: clinical testing. Allele origin: germline.
Comment: Algorithms developed to predict the effect of missense changes on protein structure and function are either unavailable or do not agree on the potential impact of this missense change (SIFT: "Deleterious"; PolyPhen-2: "Benign"; Align-GVGD: "Class C0"). This variant has not been reported in the literature in individuals affected with CRAT-related conditions. This variant is present in population databases (rs551012337, gnomAD 0.007%). This sequence change replaces arginine, which is basic and polar, with tryptophan, which is neutral and slightly polar, at codon 623 of the CRAT protein (p.Arg623Trp). In summary, the available evidence is currently insufficient to determine the role of this variant in disease. Therefore, it has been classified as a Variant of Uncertain Significance.